The following is an entry in ClinVar:

NM_152383.5(DIS3L2):c.2181G>A (p.Met727Ile)

Gene: DIS3L2 (DIS3 like 3'-5' exoribonuclease 2; plus strand). Cytogenetic location: 2q37.1.
Variant type: single nucleotide variant.
Coding change: c.2181G>A on transcript NM_152383.5 (MANE Select); coding-DNA position 2181, G replaced by A.
Protein change: p.Met727Ile; replaces methionine 727 with isoleucine.
Molecular consequence: missense variant. On other transcripts: non-coding transcript variant (2), intron variant (1).
Genome position (GRCh38, 1-based): chr2:232,334,391, G>A. VCF-style: chr2-232334391-G-A. GRCh37 (hg19) VCF-style: chr2-233199101-G-A.
Other names: c.1582-8954G>A (NM_001257281.2); short protein forms M727I.
Identifiers: ClinVar variation 463092 (VCV000463092.8), dbSNP rs1553551756, ClinGen allele CA350977653.

ClinVar aggregate classification (germline): Uncertain significance (1 of 4 stars; one submission).

Conditions:
Perlman syndrome (PRLMNS). Identifiers: Orphanet 2849, MedGen C0796113, MONDO:0009965, OMIM 267000.

Allele frequency attached by ClinVar (database versions not stated): gnomAD exomes below 0.00001; TOPMed below 0.00001.
gnomAD v4.1: 1 of 1,613,638 alleles (0.000062%); highest among the groups gnomAD compares: African/African-American, 0.0013%; no homozygotes.

Submission:

Labcorp Genetics (formerly Invitae), Labcorp
Classification: Uncertain significance for Perlman syndrome. Last evaluated: 2017-05-28. Review status: criteria provided, single submitter. Criteria: Invitae Variant Classification Sherloc (09022015). Collection method: clinical testing. Allele origin: germline.
Comment: In summary, this variant has uncertain impact on DIS3L2 function. The available evidence is currently insufficient to determine its role in disease. Therefore, it has been classified as a Variant of Uncertain Significance. Algorithms developed to predict the effect of missense changes on protein structure and function (SIFT, PolyPhen-2, Align-GVGD) all suggest that this variant is likely to be tolerated, but these predictions have not been confirmed by published functional studies and their clinical significance is uncertain. This variant has not been reported in the literature in individuals with a DIS3L2-related disease. This variant is not present in population databases (ExAC no frequency). This sequence change replaces methionine with isoleucine at codon 727 of the DIS3L2 protein (p.Met727Ile). The methionine residue is weakly conserved and there is a small physicochemical difference between methionine and isoleucine.